The following is an entry in ClinVar:

NM_032119.4(ADGRV1):c.1071G>A (p.Ser357=)

Gene: ADGRV1 (adhesion G protein-coupled receptor V1; plus strand). Cytogenetic location: 5q14.3.
Variant type: single nucleotide variant.
Coding change: c.1071G>A on transcript NM_032119.4 (MANE Select); coding-DNA position 1071, G replaced by A.
Protein change: p.Ser357=; no amino-acid change (serine 357 retained).
Molecular consequence: synonymous variant. On other transcripts: non-coding transcript variant (1).
Genome position (GRCh38, 1-based): chr5:90,627,609, G>A. VCF-style: chr5-90627609-G-A. GRCh37 (hg19) VCF-style: chr5-89923426-G-A.
Identifiers: ClinVar variation 709575 (VCV000709575.18), dbSNP rs756805245, ClinGen allele CA3338608.

ClinVar aggregate classification (germline): Conflicting classifications of pathogenicity. Review status: criteria provided, conflicting classifications (1 of 4 stars). 5 submissions from 5 submitters: Uncertain significance (1); Likely benign (3). 1 of the submissions does not count toward it. Last evaluated 2025-03-17.

Conditions:
ADGRV1-related disorder. Also called: ADGRV1-related condition; ADGRV1-related disorders.
Usher syndrome type 2C. Also called: Usher syndrome, type 2B; USHER SYNDROME, TYPE IIC. Identifiers: Orphanet 231178, Orphanet 886, MedGen C2931213, MONDO:0011558, OMIM 605472.

Allele frequency attached by ClinVar (database versions not stated): ExAC 0.00001; gnomAD exomes 0.00001 and 0.00002; gnomAD 0.00008; 1000 Genomes Project 30x 0.00016; TOPMed 0.00019.
gnomAD v4.1: 39 of 1,613,802 alleles (0.0024%); highest among the groups gnomAD compares: Admixed American, 0.032%; no homozygotes.

Submissions (5):

Labcorp Genetics (formerly Invitae), Labcorp
Classification: Likely benign. Last evaluated: 2025-03-17. Review status: criteria provided, single submitter. Criteria: Invitae Variant Classification Sherloc (09022015). Collection method: clinical testing. Allele origin: germline.

Blueprint Genetics
Classification: Likely benign. Last evaluated: 2023-11-30. Review status: criteria provided, single submitter. Criteria: ACMG Guidelines, 2015. Collection method: clinical testing. Allele origin: germline.

GeneDx
Classification: Likely benign. Last evaluated: 2021-02-25. Review status: criteria provided, single submitter. Criteria: GeneDx Variant Classification Process June 2021. Collection method: clinical testing. Allele origin: germline. Affected: yes.

Illumina Laboratory Services, Illumina
Classification: Uncertain significance for Usher syndrome type 2C. Last evaluated: 2018-01-12. Review status: criteria provided, single submitter. Criteria: ICSL Variant Classification Criteria 13 December 2019. Collection method: clinical testing. Allele origin: germline.

PreventionGenetics, part of Exact Sciences
Classification: Likely benign for ADGRV1-related condition. Last evaluated: 2019-04-29. Review status: no assertion criteria provided. Collection method: clinical testing. Allele origin: germline. Not counted in ClinVar's aggregate classification.
Comment: This variant is classified as likely benign based on ACMG/AMP sequence variant interpretation guidelines (Richards et al. 2015 PMID: 25741868, with internal and published modifications).